The following is an entry in ClinVar:

NM_015570.4(AUTS2):c.1614_1625del (p.531HQHT[2])

Gene: AUTS2 (activator of transcription and developmental regulator AUTS2; plus strand). Cytogenetic location: 7q11.22.
Variant type: Deletion.
Coding change: c.1614_1625del on transcript NM_015570.4 (MANE Select); coding-DNA positions 1614 to 1625, 12 bases deleted (GCACCAGCACAC).
Protein change: p.531HQHT[2].
Molecular consequence: inframe deletion.
Genome position (GRCh38, 1-based): chr7:70,766,259-70,766,270, GCACCAGCACAC deleted; deleting any 12 consecutive bases within chr7:70,766,248-70,766,270 gives the same sequence; the c. name uses the placement nearest the transcript's 3' end. VCF-style (leftmost placement, unchanged base first): chr7-70766247-CCACCAGCACACG-C. GRCh37 (hg19) VCF-style: chr7-70231233-CCACCAGCACACG-C.
Other names: c.1614_1625del, p.531HQHT[2] (NM_001127231.3).
Identifiers: ClinVar variation 1708767 (VCV001708767.6), dbSNP rs2484683551, ClinGen allele CA2580077348.

ClinVar aggregate classification (germline): Uncertain significance. Review status: criteria provided, multiple submitters, no conflicts (2 of 4 stars). 2 submissions from 2 submitters: Uncertain significance (2). Last evaluated 2024-04-16.

Submissions (2):

Labcorp Genetics (formerly Invitae), Labcorp
Classification: Uncertain significance. Last evaluated: 2024-04-16. Review status: criteria provided, single submitter. Criteria: Invitae Variant Classification Sherloc (09022015). Collection method: clinical testing. Allele origin: germline.
Comment: This variant, c.1614_1625del, results in the deletion of 4 amino acid(s) of the AUTS2 protein (p.His539_Thr542del), but otherwise preserves the integrity of the reading frame. This variant is not present in population databases (gnomAD no frequency). This variant has not been reported in the literature in individuals affected with AUTS2-related conditions. ClinVar contains an entry for this variant (Variation ID: 1708767). Experimental studies and prediction algorithms are not available or were not evaluated, and the functional significance of this variant is currently unknown. In summary, the available evidence is currently insufficient to determine the role of this variant in disease. Therefore, it has been classified as a Variant of Uncertain Significance.

GeneDx
Classification: Uncertain significance. Last evaluated: 2023-12-21. Review status: criteria provided, single submitter. Criteria: GeneDx Variant Classification Process June 2021. Collection method: clinical testing. Allele origin: germline. Affected: yes.
Comment: Not observed at significant frequency in large population cohorts (gnomAD); In-frame deletion of 4 amino acids in a non-repeat region; In silico analysis supports a deleterious effect on protein structure/function; Has not been previously published as pathogenic or benign to our knowledge